The following is an entry in ClinVar:

NM_203447.4(DOCK8):c.5711G>C (p.Arg1904Pro)

Gene: DOCK8 (dedicator of cytokinesis 8; plus strand). Cytogenetic location: 9p24.3.
Variant type: single nucleotide variant.
Coding change: c.5711G>C on transcript NM_203447.4 (MANE Select); coding-DNA position 5711, G replaced by C.
Protein change: p.Arg1904Pro; replaces arginine 1904 with proline.
Molecular consequence: missense variant.
Genome position (GRCh38, 1-based): chr9:446,500, G>C. VCF-style: chr9-446500-G-C. GRCh37 (hg19) VCF-style: chr9-446500-G-C.
Other names: c.5411G>C, p.Arg1804Pro (NM_001190458.2); c.5507G>C, p.Arg1836Pro (NM_001193536.2); short protein forms R1804P, R1836P, R1904P.
Identifiers: ClinVar variation 1958434 (VCV001958434.2), dbSNP rs140539006, ClinGen allele CA4959520.

ClinVar aggregate classification (germline): Uncertain significance (1 of 4 stars; one submission).

Conditions:
Combined immunodeficiency due to DOCK8 deficiency (HIES2). Also called: HYPER-IgE SYNDROME 2, AUTOSOMAL RECESSIVE, WITH RECURRENT INFECTIONS; HIES autosomal recessive; Hyper-IgE recurrent infection syndrome, autosomal recessive; HYPER-IgE RECURRENT INFECTION SYNDROME 2, AUTOSOMAL RECESSIVE; DOCK8 Deficiency. Identifiers: Orphanet 217390, MedGen C4722305, MONDO:0009478, OMIM 243700.

gnomAD v4.1: 38 of 1,614,076 alleles (0.0024%); highest among the groups gnomAD compares: Non-Finnish European, 0.003%; no homozygotes.

Submission:

Labcorp Genetics (formerly Invitae), Labcorp
Classification: Uncertain significance for Combined immunodeficiency due to DOCK8 deficiency. Last evaluated: 2022-11-01. Review status: criteria provided, single submitter. Criteria: Invitae Variant Classification Sherloc (09022015). Collection method: clinical testing. Allele origin: germline.
Comment: This sequence change replaces arginine, which is basic and polar, with proline, which is neutral and non-polar, at codon 1904 of the DOCK8 protein (p.Arg1904Pro). This variant is present in population databases (rs140539006, gnomAD 0.005%). This variant has not been reported in the literature in individuals affected with DOCK8-related conditions. Advanced modeling of protein sequence and biophysical properties (such as structural, functional, and spatial information, amino acid conservation, physicochemical variation, residue mobility, and thermodynamic stability) performed at Invitae indicates that this missense variant is expected to disrupt DOCK8 protein function. In summary, the available evidence is currently insufficient to determine the role of this variant in disease. Therefore, it has been classified as a Variant of Uncertain Significance.